The following is an entry in ClinVar:

NM_001166114.2(PNPLA6):c.2489G>A (p.Gly830Glu)

Gene: PNPLA6 (patatin like domain 6, lysophospholipase; plus strand). Cytogenetic location: 19p13.2.
Variant type: single nucleotide variant.
Coding change: c.2489G>A on transcript NM_001166114.2 (MANE Select); coding-DNA position 2489, G replaced by A.
Protein change: p.Gly830Glu; replaces glycine 830 with glutamic acid.
Molecular consequence: missense variant.
Genome position (GRCh38, 1-based): chr19:7,554,578, G>A. VCF-style: chr19-7554578-G-A. GRCh37 (hg19) VCF-style: chr19-7619464-G-A.
Other names: c.2519G>A, p.Gly840Glu (NM_001166111.2); c.2294G>A, p.Gly765Glu (NM_001166112.2); c.2375G>A, p.Gly792Glu (NM_001166113.1, NM_006702.5); short protein forms G840E, G792E, G765E, G830E.
Identifiers: ClinVar variation 101044 (VCV000101044.2), dbSNP rs587777185, ClinGen allele CA150712.

ClinVar aggregate classification (germline): Pathogenic/Likely pathogenic. Review status: no assertion criteria provided (0 of 4 stars). 2 submissions from 2 submitters: Pathogenic (1); Likely pathogenic (1). Last evaluated 2022-06-01.

Conditions:
Hereditary spastic paraplegia 39 (SPG39). Also called: Spastic Paraplegia Type 39 (SPG39); SPASTIC PARAPLEGIA 39, AUTOSOMAL RECESSIVE. Identifiers: Orphanet 139480, MedGen C2677586, MONDO:0012787, OMIM 612020.

Submissions (2):

Solve-RD Consortium
Classification: Likely pathogenic for Hereditary spastic paraplegia 39. Last evaluated: 2022-06-01. Review status: no assertion criteria provided. Collection method: provider interpretation. Allele origin: inherited. Affected: yes.
Comment: Variant confirmed as disease-causing by referring clinical team

Variant identified during reanalysis of unsolved cases by the Solve-RD project. The Solve-RD project has received funding from the European Union’s Horizon 2020 research and innovation programme under grant agreement No 779257.

OMIM
Classification: Pathogenic for SPASTIC PARAPLEGIA 39, AUTOSOMAL RECESSIVE. Last evaluated: 2014-01-01. Review status: no assertion criteria provided. Collection method: literature only. Allele origin: germline.

Literature cited by the submitters: PubMed 39825153 (cited by Solve-RD Consortium); PubMed 24355708 (cited by OMIM).